The following is an entry in ClinVar:

ClinVar aggregate classification (germline): Uncertain significance (1 of 4 stars; one submission).

Allele frequency attached by ClinVar (database versions not stated): gnomAD 0.00001; TOPMed 0.00001.
gnomAD v4.1: 14 of 1,612,668 alleles (0.00087%); highest among the groups gnomAD compares: Admixed American, 0.023%; no homozygotes.

Submission:

Labcorp Genetics (formerly Invitae), Labcorp
Classification: Uncertain significance. Last evaluated: 2026-01-04. Review status: criteria provided, single submitter. Criteria: Invitae Variant Classification Sherloc (09022015). Collection method: clinical testing. Allele origin: germline.
Comment: This sequence change replaces alanine, which is neutral and non-polar, with valine, which is neutral and non-polar, at codon 456 of the TYRP1 protein (p.Ala456Val). This variant is present in population databases (rs774369090, gnomAD 0.03%). This variant has not been reported in the literature in individuals affected with TYRP1-related conditions. ClinVar contains an entry for this variant (Variation ID: 1502965). Invitae Evidence Modeling of protein sequence and biophysical properties (such as structural, functional, and spatial information, amino acid conservation, physicochemical variation, residue mobility, and thermodynamic stability) indicates that this missense variant is expected to disrupt TYRP1 protein function with a positive predictive value of 80%. In summary, the available evidence is currently insufficient to determine the role of this variant in disease. Therefore, it has been classified as a Variant of Uncertain Significance.

NM_000550.3(TYRP1):c.1367C>T (p.Ala456Val)

Genes: LURAP1L-AS1 (LURAP1L antisense RNA 1; minus strand), TYRP1 (tyrosinase related protein 1; plus strand). Cytogenetic location: 9p23.
Variant type: single nucleotide variant.
Coding change: c.1367C>T on transcript NM_000550.3 (MANE Select); coding-DNA position 1367, C replaced by T.
Protein change: p.Ala456Val; replaces alanine 456 with valine.
Molecular consequence: missense variant.
Genome position (GRCh38, 1-based): chr9:12,708,102, C>T. VCF-style: chr9-12708102-C-T. GRCh37 (hg19) VCF-style: chr9-12708102-C-T.
Other names: short protein forms A456V.
Identifiers: ClinVar variation 1502965 (VCV001502965.5), dbSNP rs774369090, ClinGen allele CA4985537.